The following is an entry in ClinVar:

NM_007118.4(TRIO):c.6466-3T>C

Gene: TRIO (trio Rho guanine nucleotide exchange factor; plus strand). Cytogenetic location: 5p15.2.
Variant type: single nucleotide variant.
Coding change: c.6466-3T>C on transcript NM_007118.4 (MANE Select); 3 bases into the intron before coding-DNA position 6466, T replaced by C.
Molecular consequence: intron variant.
Genome position (GRCh38, 1-based): chr5:14,482,579, T>C. VCF-style: chr5-14482579-T-C. GRCh37 (hg19) VCF-style: chr5-14482688-T-C.
Identifiers: ClinVar variation 3043822 (VCV003043822.2), dbSNP rs373043633, ClinGen allele CA3207140.

ClinVar aggregate classification (germline): Likely benign (0 of 4 stars; one submission).

Conditions:
TRIO-related disorder. Also called: TRIO-related disorders; TRIO-related condition.

Allele frequency attached by ClinVar (database versions not stated): ExAC 0.00003; gnomAD 0.00003; gnomAD exomes 0.00003; TOPMed 0.00003; ESP Exome Variant Server 0.00008.
gnomAD v4.1: 41 of 1,436,434 alleles (0.0029%); highest among the groups gnomAD compares: Admixed American, 0.012%; no homozygotes.

Submission:

PreventionGenetics, part of Exact Sciences
Classification: Likely benign for TRIO-related condition. Last evaluated: 2019-05-31. Review status: no assertion criteria provided. Collection method: clinical testing. Allele origin: germline.
Comment: This variant is classified as likely benign based on ACMG/AMP sequence variant interpretation guidelines (Richards et al. 2015 PMID: 25741868, with internal and published modifications).